The following is an entry in ClinVar:

ClinVar aggregate classification (germline): Uncertain significance (1 of 4 stars; one submission).

Conditions:
VPS13B-related disorder. Also called: VPS13B-related condition.

gnomAD v4.1: 13 of 1,614,182 alleles (0.00081%); highest among the groups gnomAD compares: African/African-American, 0.0013%; no homozygotes.

Submission:

PreventionGenetics, part of Exact Sciences
Classification: Uncertain significance for VPS13B-related condition. Last evaluated: 2025-03-07. Review status: criteria provided, single submitter. Criteria: ACMG Guidelines, 2015. Collection method: clinical testing. Allele origin: germline.
Comment: The VPS13B c.11231T>C variant is predicted to result in the amino acid substitution p.Ile3744Thr. To our knowledge, this variant has not been reported in the literature. This variant is reported in 0.00088% of alleles in individuals of European (Non-Finnish) descent in gnomAD. At this time, the clinical significance of this variant is uncertain due to the absence of conclusive functional and genetic evidence.

NM_152564.5(VPS13B):c.11231T>C (p.Ile3744Thr)

Gene: VPS13B (vacuolar protein sorting 13 homolog B; plus strand). Cytogenetic location: 8q22.2.
Variant type: single nucleotide variant.
Coding change: c.11231T>C on transcript NM_152564.5 (MANE Select); coding-DNA position 11231, T replaced by C.
Protein change: p.Ile3744Thr; replaces isoleucine 3744 with threonine.
Molecular consequence: missense variant.
Genome position (GRCh38, 1-based): chr8:99,868,304, T>C. VCF-style: chr8-99868304-T-C. GRCh37 (hg19) VCF-style: chr8-100880532-T-C.
Other names: c.11306T>C, p.Ile3769Thr (NM_017890.5); short protein forms I3744T, I3769T.
Identifiers: ClinVar variation 4987673 (VCV004987673.1).